The following is an entry in ClinVar:

NM_002485.5(NBN):c.1235A>G (p.Asn412Ser)

Gene: NBN (nibrin; minus strand). Cytogenetic location: 8q21.3.
Variant type: single nucleotide variant.
Coding change: c.1235A>G on transcript NM_002485.5 (MANE Select); coding-DNA position 1235, A replaced by G.
Protein change: p.Asn412Ser; replaces asparagine 412 with serine.
Molecular consequence: missense variant.
Genome position (GRCh38, 1-based): chr8:89,955,445, T>C on the plus strand (A>G on the coding strand, the complement: NBN is on the minus strand). VCF-style: chr8-89955445-T-C. GRCh37 (hg19) VCF-style: chr8-90967673-T-C.
Other names: c.989A>G, p.Asn330Ser (NM_001024688.3); short protein forms N330S, N412S.
Identifiers: ClinVar variation 1721108 (VCV001721108.7), dbSNP rs2488244352, ClinGen allele CA371656301.

ClinVar aggregate classification (germline): Uncertain significance. Review status: criteria provided, multiple submitters, no conflicts (2 of 4 stars). 2 submissions from 2 submitters: Uncertain significance (2). Last evaluated 2023-04-13.

Conditions:
Hereditary cancer-predisposing syndrome. Also called: Hereditary Cancer Syndrome; Hereditary neoplastic syndrome; Neoplastic Syndromes, Hereditary; Tumor predisposition. Identifiers: Orphanet 140162, MedGen C0027672, MeSH D009386, MONDO:0015356.
Microcephaly, normal intelligence and immunodeficiency (NBS). Also called: Ataxia telangiectasia variant V1; IMMUNODEFICIENCY, MICROCEPHALY, AND CHROMOSOMAL INSTABILITY; SEEMANOVA SYNDROME II; Immunodeficiency, microcephaly with normal intelligence; Nijmegen breakage syndrome; Microcephaly with normal intelligence immunodeficiency and lymphoreticular malignancies. Identifiers: Orphanet 647, MedGen C0398791, MONDO:0009623, OMIM 251260.

Submissions (2):

Ambry Genetics
Classification: Uncertain significance for Hereditary cancer-predisposing syndrome. Last evaluated: 2023-04-13. Review status: criteria provided, single submitter. Criteria: Ambry Variant Classification Scheme 2023. Collection method: clinical testing. Allele origin: germline.
Comment: The p.N412S variant (also known as c.1235A>G), located in coding exon 10 of the NBN gene, results from an A to G substitution at nucleotide position 1235. The asparagine at codon 412 is replaced by serine, an amino acid with highly similar properties. This amino acid position is conserved. In addition, this alteration is predicted to be tolerated by in silico analysis. Since supporting evidence is limited at this time, the clinical significance of this alteration remains unclear.

Labcorp Genetics (formerly Invitae), Labcorp
Classification: Uncertain significance for Microcephaly, normal intelligence and immunodeficiency. Last evaluated: 2022-10-07. Review status: criteria provided, single submitter. Criteria: Invitae Variant Classification Sherloc (09022015). Collection method: clinical testing. Allele origin: germline.
Comment: This variant has not been reported in the literature in individuals affected with NBN-related conditions. This variant is not present in population databases (gnomAD no frequency). This sequence change replaces asparagine, which is neutral and polar, with serine, which is neutral and polar, at codon 412 of the NBN protein (p.Asn412Ser). Algorithms developed to predict the effect of missense changes on protein structure and function output the following: SIFT: "Tolerated"; PolyPhen-2: "Benign"; Align-GVGD: "Class C0". The serine amino acid residue is found in multiple mammalian species, which suggests that this missense change does not adversely affect protein function. In summary, the available evidence is currently insufficient to determine the role of this variant in disease. Therefore, it has been classified as a Variant of Uncertain Significance.